The following is an entry in ClinVar:

NM_005570.4(LMAN1):c.1228A>T (p.Met410Leu)

Gene: LMAN1 (lectin, mannose binding 1; minus strand). Cytogenetic location: 18q21.32.
Variant type: single nucleotide variant.
Coding change: c.1228A>T on transcript NM_005570.4 (MANE Select); coding-DNA position 1228, A replaced by T.
Protein change: p.Met410Leu; replaces methionine 410 with leucine.
Molecular consequence: missense variant.
Genome position (GRCh38, 1-based): chr18:59,333,237, T>A on the plus strand (A>T on the coding strand, the complement: LMAN1 is on the minus strand). VCF-style: chr18-59333237-T-A. GRCh37 (hg19) VCF-style: chr18-57000469-T-A.
Other names: short protein forms M410L.
Identifiers: ClinVar variation 259792 (VCV000259792.10), dbSNP rs2298711, ClinGen allele CA8979671.

ClinVar aggregate classification (germline): Benign. Review status: criteria provided, multiple submitters, no conflicts (2 of 4 stars). 6 submissions from 6 submitters: Benign (6). Last evaluated 2026-02-02.

Conditions:
Factor V and factor VIII, combined deficiency of, type 1. Also called: Combined factor V and VIII deficiency; FAMILIAL MULTIPLE COAGULATION FACTOR DEFICIENCY I; MULTIPLE COAGULATION FACTOR DEFICIENCY I; FMFD I. Identifiers: Orphanet 35909, MedGen C4551981, MONDO:0009206, OMIM 227300.

Allele frequency attached by ClinVar (database versions not stated): gnomAD 0.10566 and 0.10604; TOPMed 0.10730; ESP Exome Variant Server 0.10126; gnomAD exomes 0.12118 and 0.13500; 1000 Genomes Project 0.08506; 1000 Genomes Project 30x 0.08698; ExAC 0.11913.
gnomAD v4.1: 212,548 of 1,612,408 alleles (13%); highest among the groups gnomAD compares: Admixed American, 17%; 14,988 homozygotes.

Submissions (6):

Labcorp Genetics (formerly Invitae), Labcorp
Classification: Benign. Last evaluated: 2026-02-02. Review status: criteria provided, single submitter. Criteria: Invitae Variant Classification Sherloc (09022015). Collection method: clinical testing. Allele origin: germline.

Mayo Clinic Laboratories, Mayo Clinic
Classification: Benign. Last evaluated: 2022-09-29. Review status: criteria provided, single submitter. Criteria: ACMG Guidelines, 2015. Collection method: clinical testing. Allele origin: germline. Observed: 30 variant alleles.

GeneDx
Classification: Benign. Last evaluated: 2018-11-12. Review status: criteria provided, single submitter. Criteria: GeneDx Variant Classification Process June 2021. Collection method: clinical testing. Allele origin: germline. Affected: yes.

Illumina Laboratory Services, Illumina
Classification: Benign for Factor V and factor VIII, combined deficiency of, type 1. Last evaluated: 2018-01-12. Review status: criteria provided, single submitter. Criteria: ICSL Variant Classification Criteria 13 December 2019. Collection method: clinical testing. Allele origin: germline.
Comment: This variant was observed in the ICSL laboratory as part of a predisposition screen in an ostensibly healthy population. It had not been previously curated by ICSL or reported in the Human Gene Mutation Database (HGMD: prior to June 1st, 2018), and was therefore a candidate for classification through an automated scoring system. Utilizing variant allele frequency, disease prevalence and penetrance estimates, and inheritance mode, an automated score was calculated to assess if this variant is too frequent to cause the disease. Based on the score and internal cut-off values, a variant classified as benign is not then subjected to further curation. The score for this variant resulted in a classification of benign for this disease.

Breakthrough Genomics
Classification: Benign. Review status: criteria provided, single submitter. Criteria: ACMG Guidelines, 2015. Collection method: not provided. Allele origin: germline. Inheritance: Autosomal recessive inheritance. Affected: yes.

PreventionGenetics, part of Exact Sciences
Classification: Benign. Review status: criteria provided, single submitter. Criteria: ACMG Guidelines, 2015. Collection method: clinical testing. Allele origin: germline.